The following is an entry in ClinVar:

NM_018105.3(THAP1):c.266A>G (p.Lys89Arg)

Gene: THAP1 (THAP domain containing 1; minus strand). Cytogenetic location: 8p11.21.
Variant type: single nucleotide variant.
Coding change: c.266A>G on transcript NM_018105.3 (MANE Select); coding-DNA position 266, A replaced by G.
Protein change: p.Lys89Arg; replaces lysine 89 with arginine.
Molecular consequence: missense variant. On other transcripts: intron variant (1).
Genome position (GRCh38, 1-based): chr8:42,839,187, T>C on the plus strand (A>G on the coding strand, the complement: THAP1 is on the minus strand). VCF-style: chr8-42839187-T-C. GRCh37 (hg19) VCF-style: chr8-42694330-T-C.
Other names: c.72-851A>G (NM_199003.2); short protein forms K89R.
Identifiers: ClinVar variation 1648 (VCV000001648.11), dbSNP rs267607111, ClinGen allele CA115122.

ClinVar aggregate classification (germline): Conflicting classifications of pathogenicity. Review status: criteria provided, conflicting classifications (1 of 4 stars). 4 submissions from 4 submitters: Likely pathogenic (1); Uncertain significance (2). 1 of the submissions does not count toward it. Last evaluated 2025-09-30.

Conditions:
Torsion dystonia 6 (DYT6). Also called: DYT-THAP1. Identifiers: Orphanet 98806, MedGen C1414216, MONDO:0011264, OMIM 602629.

Allele frequency attached by ClinVar (database versions not stated): gnomAD exomes below 0.00001; gnomAD 0.00001; TOPMed 0.00001.

Submissions (4):

Athena Diagnostics
Classification: Likely pathogenic. Last evaluated: 2025-09-30. Review status: criteria provided, single submitter. Criteria: Athena Diagnostics Criteria. Collection method: clinical testing. Allele origin: unknown.
Comment: The frequency of this variant in the general population is consistent with pathogenicity. This variant appears to segregate with disease in at least one family. Computational tools yielded predictions that this variant may interfere with normal RNA splicing.

Labcorp Genetics (formerly Invitae), Labcorp
Classification: Uncertain significance for Torsion dystonia 6. Last evaluated: 2025-02-07. Review status: criteria provided, single submitter. Criteria: Invitae Variant Classification Sherloc (09022015). Collection method: clinical testing. Allele origin: germline.
Comment: This sequence change replaces lysine, which is basic and polar, with arginine, which is basic and polar, at codon 89 of the THAP1 protein (p.Lys89Arg). This variant is not present in population databases (gnomAD no frequency). This missense change has been observed in individual(s) with primary dystonia (PMID: 19345147). It has also been observed to segregate with disease in related individuals. ClinVar contains an entry for this variant (Variation ID: 1648). An algorithm developed to predict the effect of missense changes on protein structure and function (PolyPhen-2) suggests that this variant is likely to be tolerated. In summary, the available evidence is currently insufficient to determine the role of this variant in disease. Therefore, it has been classified as a Variant of Uncertain Significance.

GeneDx
Classification: Uncertain significance. Last evaluated: 2021-03-05. Review status: criteria provided, single submitter. Criteria: GeneDx Variant Classification Process June 2021. Collection method: clinical testing. Allele origin: germline. Affected: yes.
Comment: Identified in a family with early onset dystonia, however detailed clinical and segregation information was not provided (Bressman et al., 2009); Not observed at significant frequency in large population cohorts (Lek et al., 2016); In silico analysis supports that this missense variant does not alter protein structure/function; In silico analysis supports that this missense variant has a deleterious effect on splicing; This variant is associated with the following publications: (PMID: 27535533, 21782490, 19345147, 20825472, 22903657, 25525159)

OMIM
Classification: Pathogenic for DYSTONIA 6, TORSION. Last evaluated: 2009-05-01. Review status: no assertion criteria provided. Collection method: literature only. Allele origin: germline. Not counted in ClinVar's aggregate classification.

Literature cited by the submitters: PubMed 22377579 (cited by Athena Diagnostics); PubMed 19345147 (cited by 3 submitters).